The following is an entry in ClinVar:

NM_000080.4(CHRNE):c.811C>T (p.Gln271Ter)

Genes: C17orf107 (chromosome 17 open reading frame 107; plus strand), CHRNE (cholinergic receptor nicotinic epsilon subunit; minus strand). Cytogenetic location: 17p13.2.
Variant type: single nucleotide variant.
Coding change: c.811C>T on transcript NM_000080.4 (MANE Select); coding-DNA position 811, C replaced by T.
Protein change: p.Gln271Ter; replaces glutamine 271 with a stop codon.
Molecular consequence: nonsense. On other transcripts: 3 prime UTR variant (1).
Genome position (GRCh38, 1-based): chr17:4,900,899, G>A on the plus strand (C>T on the coding strand, the complement: CHRNE is on the minus strand). VCF-style: chr17-4900899-G-A. GRCh37 (hg19) VCF-style: chr17-4804194-G-A.
Other names: c.*366G>A (NM_001145536.2); short protein forms Q271*.
Identifiers: ClinVar variation 2751907 (VCV002751907.4), dbSNP rs2507553534, ClinGen allele CA397304639.

ClinVar aggregate classification (germline): Pathogenic. Review status: criteria provided, multiple submitters, no conflicts (2 of 4 stars). 2 submissions from 2 submitters: Pathogenic (2). Last evaluated 2025-05-03.

Conditions:
Congenital myasthenic syndrome (CMS). Also called: Congenital Myasthenic Syndromes. Identifiers: Orphanet 590, MedGen C0751882, MeSH D020294, MONDO:0018940.
Congenital myasthenic syndrome 4A. Also called: Myasthenic syndrome, congenital, 4a, slow-channel; CONGENITAL MYASTHENIC SYNDROME TYPE Ia1; MYASTHENIC SYNDROME, CONGENITAL, 4A, SLOW-CHANNEL, AUTOSOMAL RECESSIVE. Identifiers: Orphanet 590, MedGen C4225413, MONDO:0011600, OMIM 605809.

Submissions (2):

Myriad Genetics, Inc.
Classification: Pathogenic for Congenital myasthenic syndrome. Last evaluated: 2025-05-03. Review status: criteria provided, single submitter. Criteria: Myriad Autosomal Dominant, Autosomal Recessive and X-Linked Classification Criteria (2023). Collection method: clinical testing. Allele origin: unknown.
Comment: NM_000080.3(CHRNE):c.811C>T(Q271*) is expected to be pathogenic in the context of congenital myasthenic syndrome, CHRNE-related. This variant is predicted to lead to an abnormal or absent protein product due to the creation of a premature termination codon in CHRNE, a gene where loss-of-function variants are known to be pathogenic. Please note: this variant was assessed in the context of healthy population screening.

Labcorp Genetics (formerly Invitae), Labcorp
Classification: Pathogenic for Congenital myasthenic syndrome 4A. Last evaluated: 2023-08-11. Review status: criteria provided, single submitter. Criteria: Invitae Variant Classification Sherloc (09022015). Collection method: clinical testing. Allele origin: germline.
Comment: For these reasons, this variant has been classified as Pathogenic. This variant has not been reported in the literature in individuals affected with CHRNE-related conditions. This variant is not present in population databases (gnomAD no frequency). This sequence change creates a premature translational stop signal (p.Gln271*) in the CHRNE gene. It is expected to result in an absent or disrupted protein product. Loss-of-function variants in CHRNE are known to be pathogenic (PMID: 22678886).

Literature cited by the submitters: PubMed 22678886 (cited by Labcorp Genetics (formerly Invitae), Labcorp).